The following is an entry in ClinVar:

ClinVar aggregate classification (germline): Uncertain significance (1 of 4 stars; one submission).

Submission:

Labcorp Genetics (formerly Invitae), Labcorp
Classification: Uncertain significance. Last evaluated: 2023-12-11. Review status: criteria provided, single submitter. Criteria: Invitae Variant Classification Sherloc (09022015). Collection method: clinical testing. Allele origin: germline.
Comment: The C2CD3 gene has multiple clinically relevant transcripts. This variant occurs in alternate transcript NM_001286577.1, and corresponds to NM_015531.5:c.*778T>C in the primary transcript. This sequence change replaces serine, which is neutral and polar, with proline, which is neutral and non-polar, at codon 2114 of the C2CD3 protein (p.Ser2114Pro). This variant is not present in population databases (gnomAD no frequency). This variant has not been reported in the literature in individuals affected with C2CD3-related conditions. Experimental studies and prediction algorithms are not available or were not evaluated, and the functional significance of this variant is currently unknown. In summary, the available evidence is currently insufficient to determine the role of this variant in disease. Therefore, it has been classified as a Variant of Uncertain Significance.

NM_001286577.2(C2CD3):c.6340T>C (p.Ser2114Pro)

Gene: C2CD3 (C2 domain containing 3 centriole elongation regulator; minus strand). Cytogenetic location: 11q13.4.
Variant type: single nucleotide variant.
Coding change: c.6340T>C on transcript NM_001286577.2 (MANE Select); coding-DNA position 6340, T replaced by C.
Protein change: p.Ser2114Pro; replaces serine 2114 with proline.
Molecular consequence: missense variant.
Genome position (GRCh38, 1-based): chr11:74,033,820, A>G on the plus strand (T>C on the coding strand, the complement: C2CD3 is on the minus strand). VCF-style: chr11-74033820-A-G. GRCh37 (hg19) VCF-style: chr11-73744865-A-G.
Other names: short protein forms S2114P.
Identifiers: ClinVar variation 1998439 (VCV001998439.4), dbSNP rs2496201623, ClinGen allele CA381820626.
Genomic context (GRCh38, chr11:74,033,820, plus strand): 5'-CTGGGCTGGAGAGAAAGCTACTTTTGACCATAAGCTCCTCTCTGCAGAAAGGCCCTGGAG[A>G]AGGACAAGAGGGGCCTTCCCTCTGCACCTCGTCAGGCTGAGGGCTGATGACCTCACTTGT-3'
Protein context (NP_001273506.1, residues 2104-2124): EVQREGPSCP[Ser2114Pro]PGPFCREELM